The following is an entry in ClinVar:

ClinVar aggregate classification (germline): Conflicting classifications of pathogenicity. Review status: criteria provided, conflicting classifications (1 of 4 stars). 2 submissions from 2 submitters: Uncertain significance (1); Likely benign (1). Last evaluated 2025-04-24.

Conditions:
Cardiovascular phenotype. Identifiers: MedGen CN230736.
Long QT syndrome (LQTS). Identifiers: MedGen C0023976, MeSH D008133, MONDO:0002442. Disease mechanism: loss of function. Inheritance: Various modes of inheritance.

Allele frequency attached by ClinVar (database versions not stated): gnomAD exomes 0.00001.

Submissions (2):

Ambry Genetics
Classification: Likely benign for Cardiovascular phenotype. Last evaluated: 2025-04-24. Review status: criteria provided, single submitter. Criteria: Ambry Variant Classification Scheme 2023. Collection method: clinical testing. Allele origin: germline.

Labcorp Genetics (formerly Invitae), Labcorp
Classification: Uncertain significance for Long QT syndrome. Last evaluated: 2023-05-22. Review status: criteria provided, single submitter. Criteria: Invitae Variant Classification Sherloc (09022015). Collection method: clinical testing. Allele origin: germline.
Comment: In summary, the available evidence is currently insufficient to determine the role of this variant in disease. Therefore, it has been classified as a Variant of Uncertain Significance. An algorithm developed to predict the effect of missense changes on protein structure and function (PolyPhen-2) suggests that this variant is likely to be disruptive. This variant has not been reported in the literature in individuals affected with AKAP9-related conditions. This variant is not present in population databases (gnomAD no frequency). This sequence change replaces serine, which is neutral and polar, with asparagine, which is neutral and polar, at codon 2509 of the AKAP9 protein (p.Ser2509Asn).

NM_005751.5(AKAP9):c.7526G>A (p.Ser2509Asn)

Gene: AKAP9 (A-kinase anchoring protein 9; plus strand). Cytogenetic location: 7q21.2.
Variant type: single nucleotide variant.
Coding change: c.7526G>A on transcript NM_005751.5 (MANE Select); coding-DNA position 7526, G replaced by A.
Protein change: p.Ser2509Asn; replaces serine 2509 with asparagine.
Molecular consequence: missense variant.
Genome position (GRCh38, 1-based): chr7:92,079,659, G>A. VCF-style: chr7-92079659-G-A. GRCh37 (hg19) VCF-style: chr7-91708973-G-A.
Other names: c.2171G>A, p.Ser724Asn (NM_001379277.1); c.7502G>A, p.Ser2501Asn (NM_147185.3); short protein forms S2509N, S2501N, S724N.
Identifiers: ClinVar variation 2727426 (VCV002727426.4), dbSNP rs1813193919, ClinGen allele CA368135924.